The following is an entry in ClinVar:

ClinVar aggregate classification (germline): Uncertain significance (1 of 4 stars; one submission).

Allele frequency attached by ClinVar (database versions not stated): TOPMed below 0.00001.
gnomAD v4.1: 3 of 1,612,494 alleles (0.00019%); highest among the groups gnomAD compares: Non-Finnish European, 0.00025%; no homozygotes.

Submission:

Labcorp Genetics (formerly Invitae), Labcorp
Classification: Uncertain significance. Last evaluated: 2023-09-19. Review status: criteria provided, single submitter. Criteria: Invitae Variant Classification Sherloc (09022015). Collection method: clinical testing. Allele origin: germline.
Comment: This sequence change replaces serine, which is neutral and polar, with isoleucine, which is neutral and non-polar, at codon 138 of the GUCY2C protein (p.Ser138Ile). This variant is not present in population databases (gnomAD no frequency). This variant has not been reported in the literature in individuals affected with GUCY2C-related conditions. ClinVar contains an entry for this variant (Variation ID: 1923587). Advanced modeling of protein sequence and biophysical properties (such as structural, functional, and spatial information, amino acid conservation, physicochemical variation, residue mobility, and thermodynamic stability) performed at Invitae indicates that this missense variant is not expected to disrupt GUCY2C protein function. In summary, the available evidence is currently insufficient to determine the role of this variant in disease. Therefore, it has been classified as a Variant of Uncertain Significance.

NM_004963.4(GUCY2C):c.413G>T (p.Ser138Ile)

Genes: GUCY2C (guanylate cyclase 2C; minus strand), GUCY2C-AS1 (GUCY2C antisense RNA 1; plus strand). Cytogenetic location: 12p12.3.
Variant type: single nucleotide variant.
Coding change: c.413G>T on transcript NM_004963.4 (MANE Select); coding-DNA position 413, G replaced by T.
Protein change: p.Ser138Ile; replaces serine 138 with isoleucine.
Molecular consequence: missense variant.
Genome position (GRCh38, 1-based): chr12:14,683,240, C>A on the plus strand (G>T on the coding strand, the complement: GUCY2C is on the minus strand). VCF-style: chr12-14683240-C-A. GRCh37 (hg19) VCF-style: chr12-14836174-C-A.
Other names: short protein forms S138I.
Identifiers: ClinVar variation 1923587 (VCV001923587.5), dbSNP rs1948386955, ClinGen allele CA384006513.